The following is an entry in ClinVar:

ClinVar aggregate classification (germline): Uncertain significance (1 of 4 stars; one submission).

Conditions:
Pancreatic adenocarcinoma. Identifiers: MedGen C0281361, MONDO:0006047, HP:0006725.

Submission:

Labcorp Genetics (formerly Invitae), Labcorp
Classification: Uncertain significance for Pancreatic adenocarcinoma. Last evaluated: 2023-09-18. Review status: criteria provided, single submitter. Criteria: Invitae Variant Classification Sherloc (09022015). Collection method: clinical testing. Allele origin: germline.
Comment: This variant is not present in population databases (gnomAD no frequency). This variant has not been reported in the literature in individuals affected with PALLD-related conditions. An algorithm developed to predict the effect of missense changes on protein structure and function (PolyPhen-2) suggests that this variant is likely to be tolerated. In summary, the available evidence is currently insufficient to determine the role of this variant in disease. Therefore, it has been classified as a Variant of Uncertain Significance. This sequence change replaces glutamine, which is neutral and polar, with arginine, which is basic and polar, at codon 195 of the PALLD protein (p.Gln195Arg).

NM_001166108.2(PALLD):c.2045A>G (p.Gln682Arg)

Gene: PALLD (palladin, cytoskeletal associated protein; plus strand). Cytogenetic location: 4q32.3.
Variant type: single nucleotide variant.
Coding change: c.2045A>G on transcript NM_001166108.2 (MANE Select); coding-DNA position 2045, A replaced by G.
Protein change: p.Gln682Arg; replaces glutamine 682 with arginine.
Molecular consequence: missense variant. On other transcripts: 5 prime UTR variant (4).
Genome position (GRCh38, 1-based): chr4:168,891,002, A>G. VCF-style: chr4-168891002-A-G. GRCh37 (hg19) VCF-style: chr4-169812153-A-G.
Other names: c.899A>G, p.Gln300Arg (NM_001166109.2); c.584A>G, p.Gln195Arg (NM_001166110.2); c.-77A>G (NM_001367567.1, NM_001367568.1, NM_001367569.1 and 1 more transcripts); c.2045A>G, p.Gln682Arg (NM_016081.4); short protein forms Q300R, Q195R, Q682R.
Identifiers: ClinVar variation 2708756 (VCV002708756.3), dbSNP rs2533587566, ClinGen allele CA358797226.
Genomic context (GRCh38, chr4:168,891,002, plus strand): 5'-GTAGAACTGCTAGAATAGCCTCCGATGAGGAAATTCAAGGCACAAAGGATGCTGTTATTC[A>G]AGACCTGGAACGAAAACTTCGCTTCAAGGAGGACCTCCTGAACAATGGCCAGCCGGTACT-3'
Protein context (NP_001159580.1, residues 672-692): EIQGTKDAVI[Gln682Arg]DLERKLRFKE